The following is an entry in ClinVar:

ClinVar aggregate classification (germline): Conflicting classifications of pathogenicity. Review status: criteria provided, conflicting classifications (1 of 4 stars). 2 submissions from 2 submitters: Likely pathogenic (1); Uncertain significance (1). Last evaluated 2025-01-28.

Conditions:
Leber congenital amaurosis 1 (LCA1). Also called: Congenital absence of the rods and cones; Leber's congenital tapetoretinal degeneration; Leber's congenital tapetoretinal dysplasia; AMAUROSIS CONGENITA OF LEBER I; RETINAL BLINDNESS, CONGENITAL. Identifiers: Orphanet 65, MedGen C2931258, MONDO:0008764, OMIM 204000.
Retinitis pigmentosa 12 (RP12). Also called: RP WITH OR WITHOUT PRESERVED PARAARTERIOLE RETINAL PIGMENT EPITHELIUM; RETINITIS PIGMENTOSA WITH OR WITHOUT PARAARTERIOLAR PRESERVATION OF RETINAL PIGMENT EPITHELIUM; RP WITH OR WITHOUT PPRPE. Identifiers: Orphanet 791, MedGen C1838647, MONDO:0010818, OMIM 600105.
Leber congenital amaurosis 8 (LCA8). Identifiers: Orphanet 65, MedGen C3151202, MONDO:0013453, OMIM 613835.

Allele frequency attached by ClinVar (database versions not stated): gnomAD exomes below 0.00001.
gnomAD v4.1: 1 of 1,614,238 alleles (0.000062%); highest among the groups gnomAD compares: Non-Finnish European, 0.000085%; no homozygotes.

Submissions (2):

Mendelics
Classification: Uncertain significance for Leber congenital amaurosis 1. Last evaluated: 2025-01-28. Review status: criteria provided, single submitter. Criteria: Mendelics Assertion Criteria 2017. Collection method: clinical testing. Allele origin: unknown.
Comment: Interpretation of variant NM_201253.3(CRB1):c.1633T>C (p.Ser545Pro)(GnomAD 4.10 freq 6.195e-7 with no homozygotes) was reviewed. Updated ACMG requirements were applied and literature reviewed (PMID: 29186038, 32865313) making it a VUS.

Labcorp Genetics (formerly Invitae), Labcorp
Classification: Likely pathogenic for Leber congenital amaurosis 8; Retinitis pigmentosa 12. Last evaluated: 2023-07-20. Review status: criteria provided, single submitter. Criteria: Invitae Variant Classification Sherloc (09022015). Collection method: clinical testing. Allele origin: germline.
Comment: ClinVar contains an entry for this variant (Variation ID: 801597). Advanced modeling of protein sequence and biophysical properties (such as structural, functional, and spatial information, amino acid conservation, physicochemical variation, residue mobility, and thermodynamic stability) performed at Invitae indicates that this missense variant is expected to disrupt CRB1 protein function. In summary, the currently available evidence indicates that the variant is pathogenic, but additional data are needed to prove that conclusively. Therefore, this variant has been classified as Likely Pathogenic. This sequence change replaces serine, which is neutral and polar, with proline, which is neutral and non-polar, at codon 545 of the CRB1 protein (p.Ser545Pro). This variant is not present in population databases (gnomAD no frequency). This missense change has been observed in individuals with Leber congenital amaurosis (PMID: 29186038, 32865313; Invitae).

Literature cited by the submitters: PubMed 29186038 (cited by Labcorp Genetics (formerly Invitae), Labcorp); PubMed 32865313 (cited by Labcorp Genetics (formerly Invitae), Labcorp).

NM_201253.3(CRB1):c.1633T>C (p.Ser545Pro)

Gene: CRB1 (crumbs cell polarity complex component 1; plus strand). Cytogenetic location: 1q31.3.
Variant type: single nucleotide variant.
Coding change: c.1633T>C on transcript NM_201253.3 (MANE Select); coding-DNA position 1633, T replaced by C.
Protein change: p.Ser545Pro; replaces serine 545 with proline.
Molecular consequence: missense variant. On other transcripts: non-coding transcript variant (2).
Genome position (GRCh38, 1-based): chr1:197,421,461, T>C. VCF-style: chr1-197421461-T-C. GRCh37 (hg19) VCF-style: chr1-197390591-T-C.
Other names: c.1297T>C, p.Ser433Pro (NM_001193640.2); c.1426T>C, p.Ser476Pro (NM_001257965.2); c.1633T>C, p.Ser545Pro (NM_001257966.2); short protein forms S476P, S545P, S433P.
Identifiers: ClinVar variation 801597 (VCV000801597.10), dbSNP rs1571524102, ClinGen allele CA344031791.
Genomic context (GRCh38, chr1:197,421,461, plus strand): 5'-TTCCGAAGCAACAGGGATGTGTTTGTGAAGCTGGAGCTGCTAAGTGGCTACATTCACTTA[T>C]CAATTCAGGTCAATAATCAGTCAAAGGTGCTTCTGTTCATTTCCCACAACACCAGCGATG-3'
Protein context (NP_957705.1, residues 535-555): LELLSGYIHL[Ser545Pro]IQVNNQSKVL